The following is an entry in ClinVar:

ClinVar aggregate classification (germline): Pathogenic. Review status: criteria provided, single submitter (1 of 4 stars). 2 submissions from 2 submitters: Pathogenic (1). 1 of the submissions does not count toward it. Last evaluated 2022-12-09.

Conditions:
Autosomal recessive inherited pseudoxanthoma elasticum (PXE). Identifiers: Orphanet 758, MedGen CN032334, MONDO:0009925, OMIM 264800.

Submissions (2):

Labcorp Genetics (formerly Invitae), Labcorp
Classification: Pathogenic. Last evaluated: 2022-12-09. Review status: criteria provided, single submitter. Criteria: Invitae Variant Classification Sherloc (09022015). Collection method: clinical testing. Allele origin: germline.
Comment: Algorithms developed to predict the effect of sequence changes on RNA splicing suggest that this variant may create or strengthen a splice site. ClinVar contains an entry for this variant (Variation ID: 433454). This premature translational stop signal has been observed in individual(s) with pseudoxanthoma elasticum (PMID: 28102862). This variant is not present in population databases (gnomAD no frequency). This sequence change creates a premature translational stop signal (p.Glu709*) in the ABCC6 gene. It is expected to result in an absent or disrupted protein product. Loss-of-function variants in ABCC6 are known to be pathogenic (PMID: 11536079, 17617515). For these reasons, this variant has been classified as Pathogenic.

PXE International
Classification: Likely pathogenic for Autosomal recessive inherited pseudoxanthoma elasticum. Last evaluated: 2021-03-02. Review status: no assertion criteria provided. Collection method: research. Allele origin: germline. Inheritance: Autosomal recessive inheritance. Affected: yes. Observed: 2 variant alleles. Not counted in ClinVar's aggregate classification.

Literature cited by the submitters: PubMed 28102862 (cited by Labcorp Genetics (formerly Invitae), Labcorp); PubMed 11536079 (cited by Labcorp Genetics (formerly Invitae), Labcorp); PubMed 17617515 (cited by Labcorp Genetics (formerly Invitae), Labcorp).

NM_001171.6(ABCC6):c.2125G>T (p.Glu709Ter)

Gene: ABCC6 (ATP binding cassette subfamily C member 6; minus strand). Cytogenetic location: 16p13.11.
Variant type: single nucleotide variant.
Coding change: c.2125G>T on transcript NM_001171.6 (MANE Select); coding-DNA position 2125, G replaced by T.
Protein change: p.Glu709Ter; replaces glutamic acid 709 with a stop codon.
Molecular consequence: nonsense. On other transcripts: non-coding transcript variant (1).
Genome position (GRCh38, 1-based): chr16:16,182,534, C>A on the plus strand (G>T on the coding strand, the complement: ABCC6 is on the minus strand). VCF-style: chr16-16182534-C-A. GRCh37 (hg19) VCF-style: chr16-16276391-C-A.
Other names: c.1783G>T, p.Glu595Ter (NM_001351800.1); short protein forms E709*, E595*.
Identifiers: ClinVar variation 433454 (VCV000433454.6), dbSNP rs114303883, ClinGen allele CA394888480.
Genomic context (GRCh38, chr16:16,182,534, plus strand): 5'-AGGCTTCTAGTACTCTCTCCAGCCAGGGTGGGTCCAGCTCCTGCCCGAAGCACACATTCT[C>A]TACCACAGAGGTGTTCTGCACCCAGGCCTCCTGGGGCACGTAGGCCACAGCACCCTAAAA-3'